The following is an entry in ClinVar:

ClinVar aggregate classification (germline): Uncertain significance (1 of 4 stars; one submission).

Conditions:
Rhabdoid tumor predisposition syndrome 2 (RTPS2). Identifiers: Orphanet 231108, Orphanet 69077, MedGen C2750074, MONDO:0013224, OMIM 613325.

Submission:

Labcorp Genetics (formerly Invitae), Labcorp
Classification: Uncertain significance for Rhabdoid tumor predisposition syndrome 2. Last evaluated: 2023-01-22. Review status: criteria provided, single submitter. Criteria: Invitae Variant Classification Sherloc (09022015). Collection method: clinical testing. Allele origin: germline.
Comment: In summary, the available evidence is currently insufficient to determine the role of this variant in disease. Therefore, it has been classified as a Variant of Uncertain Significance. Advanced modeling of protein sequence and biophysical properties (such as structural, functional, and spatial information, amino acid conservation, physicochemical variation, residue mobility, and thermodynamic stability) performed at Invitae indicates that this missense variant is expected to disrupt SMARCA4 protein function. This variant has not been reported in the literature in individuals affected with SMARCA4-related conditions. This variant is not present in population databases (gnomAD no frequency). This sequence change replaces glycine, which is neutral and non-polar, with serine, which is neutral and polar, at codon 1370 of the SMARCA4 protein (p.Gly1370Ser).

NM_003072.5(SMARCA4):c.4108G>A (p.Gly1370Ser)

Gene: SMARCA4 (SWI/SNF related BAF chromatin remodeling complex subunit ATPase 4; plus strand). Cytogenetic location: 19p13.2.
Variant type: single nucleotide variant.
Coding change: c.4108G>A on transcript NM_003072.5 (MANE Select); coding-DNA position 4108, G replaced by A.
Protein change: p.Gly1370Ser; replaces glycine 1370 with serine.
Molecular consequence: missense variant. On other transcripts: non-coding transcript variant (1).
Genome position (GRCh38, 1-based): chr19:11,035,070, G>A. VCF-style: chr19-11035070-G-A. GRCh37 (hg19) VCF-style: chr19-11145746-G-A.
Other names: c.4108G>A, p.Gly1370Ser (NM_001128844.3, NM_001128849.3, NM_001387283.1); c.4009G>A, p.Gly1337Ser (NM_001128845.2, NM_001128846.2, NM_001128847.4 and 3 more transcripts); short protein forms G1370S, G1337S.
Identifiers: ClinVar variation 2831057 (VCV002831057.3), dbSNP rs2146702169, ClinGen allele CA404068377.